The following is an entry in ClinVar:

NC_012920.1(MT-ND4):m.11719G>A

Gene: MT-ND4 (mitochondrially encoded NADH dehydrogenase 4; plus strand).
Variant type: single nucleotide variant.
Genome position: chrM-11719-G-A.
Identifiers: ClinVar variation 3027424 (VCV003027424.3), dbSNP rs2853495, ClinGen allele CA337099277.

ClinVar aggregate classification (germline): Benign. Review status: criteria provided, single submitter (1 of 4 stars). 2 submissions from 2 submitters: Benign (1). 1 of the submissions does not count toward it. Last evaluated 2025-02-16.

Conditions:
Venous thromboembolism. Identifiers: MedGen C1861172, MeSH D054556, MONDO:0005399.

Submissions (2):

Laboratory of Genetics, Children's Clinical University Hospital Latvia
Classification: Benign. Last evaluated: 2025-02-16. Review status: criteria provided, single submitter. Criteria: ACMG Guidelines, 2015. Collection method: clinical testing. Allele origin: germline. Affected: yes.

Genomics Division, Defence Institute of Physiology and Allied Sciences
Classification: association for VENOUS THROMBOEMBOLISM. Review status: no assertion criteria provided. Collection method: case-control. Allele origin: maternal. Inheritance: Mitochondrial inheritance. Affected: no. Not counted in ClinVar's aggregate classification.
Comment: Three age and sex matched study groups were taken and whole exome sequencing was performed. 1. Healthy Subjects (n=19) 2. Sea Level Venous Thromboembolism (n=15) 3. High Altitude Venous Thromboembolism (n=6). Nature of this variant is not provided. After analysis, it was found that frequency of rs2853495 in only sea level Thromboembolism study groups. However, this SNP was absent in Healthy Subjects and high altitude Thromboembolism study groups. First time it is being reported that there is association of rs2853495 with sea level Venous thromboembolism.